The following is an entry in ClinVar:

ClinVar aggregate classification (germline): Pathogenic. Review status: reviewed by expert panel (3 of 4 stars). 8 submissions from 8 submitters: Pathogenic (1). 7 of the submissions do not count toward it. Last evaluated 2022-05-18.

Conditions:
DICER1-related disorder. Also called: DICER1-related condition.
DICER1-related tumor predisposition. Also called: DICER1 syndrome; DICER1-related pleuropulmonary blastoma cancer predisposition syndrome. Identifiers: Orphanet 284343, MedGen C3839822, MONDO:0100216.
Euthyroid goiter (MNG1). Also called: MULTINODULAR GOITER, ADOLESCENT; Goiter, multinodular 1, with or without Sertoli-Leydig cell tumors; GOITER, NONTOXIC, WITH INTRATHYROIDAL CALCIFICATION; SIMPLE GOITER. Identifiers: Orphanet 276399, MedGen C0302859, MONDO:0007681, OMIM 138800, HP:0009798.
Rhabdomyosarcoma, embryonal, 2 (RMSE2). Identifiers: MedGen C1867234, MONDO:0859046, OMIM 180295.
Hereditary cancer-predisposing syndrome. Also called: Neoplastic Syndromes, Hereditary; Tumor predisposition; Hereditary Cancer Syndrome; Hereditary neoplastic syndrome. Identifiers: Orphanet 140162, MedGen C0027672, MeSH D009386, MONDO:0015356.

gnomAD v4.1: 1 of 1,613,936 alleles (0.000062%); highest among the groups gnomAD compares: Non-Finnish European, 0.000085%; no homozygotes.

Submissions (8):

ClinGen DICER1 and miRNA-Processing Gene Variant Curation Expert Panel, ClinGen
Classification: Pathogenic for DICER1-related tumor predisposition. Last evaluated: 2022-05-18. Review status: reviewed by expert panel. Criteria: ClinGen DICER1 ACMG Specifications DICER1 v1. Collection method: curation. Allele origin: germline. Inheritance: Autosomal dominant inheritance.
Comment: NM_177438.2(DICER1):c.5441C>T variant in DICER1 is a missense variant predicted to cause substitution of serine by leucine at amino acid 1814 (p.Ser1814Leu). This variant received a total of 4.5 phenotype points across 5 unrelated probands/families meeting DICER1 VCEP phenotype specificity scoring criteria of >4 points (PS4; PMIDs: 26545620, 26555935, ClinVar GTRs: 239772, 500031, 500086). At least one patient with this variant was found to have a somatic second hit in a recognized DICER1 hotspot codon on tumor sequencing, which is highly specific for DICER1 syndrome (PP4, PMIDs: 26555935). The variant has been reported to segregate with disease in multiple affected family members with 7 meioses from 3 families (PP1_Strong; PMIDs: 26555935, ClinVar SCVs: SCV000553579.6). This variant is absent from gnomAD v2.1.1 and v3.1.1 (non-cancer)(PM2_Supporting). In vitro cleavage assay in HEK293 cells showed that this variant reduces the capacity of the protein to produce 5p/3p microRNAs from a pre-miRNA, indicating that this variant impacts protein function (PS3_Supporting; PMIDs: 26545620). This variant resides within the RNase IIIb domain of DICER1, a mutational hotspot domain with critical functional as defined by the ClinGen DICER1 VCEP (PM1_Supporting; PMID: 31342592). The computational predictor REVEL gives a score of 0.889, which is above the threshold of 0.75, evidence that correlates with impact to DICER1 function (PP3). In summary, this variant meets the criteria to be classified as Pathogenic for DICER1 syndrome based on the ACMG/AMP criteria applied, as specified by the ClinGen DICER1 VCEP: PS4, PP4, PP1_Strong, PM2_Supporting, PS3_Supporting, PM1_Supporting, PP3 (Bayesian Points: 13; VCEP specifications version 1; 02/11/2022).

PreventionGenetics, part of Exact Sciences
Classification: Pathogenic for DICER1-related condition. Last evaluated: 2025-03-07. Review status: criteria provided, single submitter. Criteria: ACMG Guidelines, 2015. Collection method: clinical testing. Allele origin: germline. Not counted in ClinVar's aggregate classification.
Comment: The DICER1 c.5441C>T variant is predicted to result in the amino acid substitution p.Ser1814Leu. This variant has been reported to segregate in a family with DICER1-syndrome (Rutter et al. 2016. PubMed ID: 26555935) and reported in an additional unrelated individual with DICER1-syndrome (Wu et al. 2016. PubMed ID: 26545620). It has been reported in an individual with a somatic second hit in a recognized DICER1 hotspot codon on tumor sequencing (Rutter et al. 2016. PubMed ID: 26555935). Functional studies suggest this variant may lead to exon skipping and impact pre-miR122 cleavage (Figure 2, Wu et al. 2016. PubMed ID: 26545620). This variant occurs in the RNase IIIb domain, which is a hotspot for missense variants associated with DICER1-related neoplasms (Heravi-Moussavi et al. 2012. PubMed ID: 22187960; Foulkes et al. 2014. PubMed ID: 25176334; Chen et al. 2018. PubMed ID: 31893257). This variant has not been reported in a large population database, indicating this variant is rare. This variant is interpreted as pathogenic by the ClinGen DICER1 and miRNA-Processing Gene Variant Curation Expert Panel in ClinVar. This variant is interpreted as pathogenic.

Labcorp Genetics (formerly Invitae), Labcorp
Classification: Pathogenic for DICER1-related tumor predisposition. Last evaluated: 2025-02-13. Review status: criteria provided, single submitter. Criteria: Invitae Variant Classification Sherloc (09022015). Collection method: clinical testing. Allele origin: germline. Not counted in ClinVar's aggregate classification.
Comment: This sequence change replaces serine, which is neutral and polar, with leucine, which is neutral and non-polar, at codon 1814 of the DICER1 protein (p.Ser1814Leu). This variant is not present in population databases (gnomAD no frequency). This missense change has been observed in individuals with DICER1-related disease (PMID: 26545620, 26555935; internal data). It has also been observed to segregate with disease in related individuals. ClinVar contains an entry for this variant (Variation ID: 412119). Invitae Evidence Modeling of protein sequence and biophysical properties (such as structural, functional, and spatial information, amino acid conservation, physicochemical variation, residue mobility, and thermodynamic stability) indicates that this missense variant is expected to disrupt DICER1 protein function with a positive predictive value of 95%. Experimental studies have shown that this missense change affects DICER1 function (PMID: 26545620). For these reasons, this variant has been classified as Pathogenic.

Ambry Genetics
Classification: Pathogenic for Hereditary cancer-predisposing syndrome. Last evaluated: 2023-12-05. Review status: criteria provided, single submitter. Criteria: Ambry Variant Classification Scheme 2023. Collection method: clinical testing. Allele origin: germline. Not counted in ClinVar's aggregate classification.
Comment: The p.S1814L pathogenic mutation (also known as c.5441C>T), located in coding exon 24 of the DICER1 gene, results from a C to T substitution at nucleotide position 5441. The serine at codon 1814 is replaced by leucine, an amino acid with dissimilar properties. This alteration has been identified in multiple individuals diagnosed with DICER1-associated tumors (Ambry internal data; Rutter MM et al. J. Clin. Endocrinol. Metab., 2016 Jan;101:1-5; Wu MK et al. Endocr. Relat. Cancer, 2016 Feb;23:L1-5). In addition, this variant segregated with disease in a family affected with early-onset multinodular goiters, differentiated thyroid cancer, and other DICER1-associated tumors (Rutter MM et al. J. Clin. Endocrinol. Metab., 2016 Jan;101:1-5). This variant demonstrated reduced 5p and 3p miRNA generation as compared to normal DICER1 protein in an in vitro cleavage assay (Wu MK et al. Endocr. Relat. Cancer, 2016). This missense alteration is located in a region that has a low rate of benign missense variation (Lek M et al. Nature. 2016 Aug 18;536(7616):285-91; DECIPHER: Database of Chromosomal Imbalance and Phenotype in Humans using Ensembl Resources. Firth H.V. et al. 2009. Am.J.Hum.Genet. 84, 524-533 (DOI). This variant was not reported in population-based cohorts in the Genome Aggregation Database (gnomAD). In addition, this amino acid position is highly conserved in available vertebrate species and is predicted to be deleterious by in silico analysis. Based on the supporting evidence, this alteration is interpreted as a disease-causing mutation.

Quest Diagnostics Nichols Institute San Juan Capistrano
Classification: Likely pathogenic. Last evaluated: 2023-08-16. Review status: criteria provided, single submitter. Criteria: Quest Diagnostics criteria. Collection method: clinical testing. Allele origin: unknown. Not counted in ClinVar's aggregate classification.
Comment: The DICER1 c.5441C>T (p.Ser1814Leu) variant has been reported in the published literature in individuals with DICER1-related disease (PMIDs: 26555935 (2016), 26545620 (2016)) and has been observed segregating with disease in related individuals (PMID: 26555935 (2016)). An experimental assay reports the variant reduces miRNA generation (PMID: 26545620 (2016)), however further evidence is needed to assess the global impact of the variant on protein function. This variant has not been reported in large, multi-ethnic general populations (Genome Aggregation Database). Analysis of this variant using bioinformatics tools for the prediction of the effect of amino acid changes on protein structure and function yielded predictions that this variant is damaging. Based on the available information, this variant is classified as likely pathogenic.

Institute for Genomic Medicine (IGM) Clinical Laboratory, Nationwide Children's Hospital
Classification: Pathogenic for DICER1-related tumor predisposition. Last evaluated: 2023-06-29. Review status: criteria provided, single submitter. Criteria: ACMG Guidelines, 2015. Collection method: clinical testing. Allele origin: germline. Not counted in ClinVar's aggregate classification.
Comment: Well-established functional studies have demonstrated this variant to have a damaging effect on protein function or splicing (ACMG/AMP: PS3_Supporting; PMID:26545620). This variant has been reported at an elevated frequency in affected individuals/in multiple affected individuals in the literature (ACMG/AMP: PS4; PMIDs:26545620, 26555935). This variant is located in a mutational hot spot and/or critical and well-established functional domain (ACMG/AMP: PM1_Supporting; PMID:31342592). This variant is absent from or present at an exceedingly low frequency in gnomAD, a large-scale control population database (ACMG/AMP: PM2_Supporting). This variant has been shown to segregate with disease in multiple affected family members (ACMG/AMP: PP1_Strong; PMID:26555935). This variant is predicted to alter protein function or structure, or disrupt splicing by multiple in silico tools (ACMG/AMP: PP3). This variant is in a gene that is highly specific for a disease with a single genetic etiology (ACMG/AMP: PP4; PMID:26555935).

Foulkes Cancer Genetics LDI, Lady Davis Institute for Medical Research
Classification: Pathogenic for Pleuropulmonary blastoma. Last evaluated: 2019-07-01. Review status: criteria provided, single submitter. Criteria: ACMG Guidelines, 2015. Collection method: curation. Allele origin: germline. Affected: yes. Observed: 7 variant alleles. Not counted in ClinVar's aggregate classification.
Comment: ACMG criteria met: PS3, PM1, PM2, PP3, PP4

Fulgent Genetics
Classification: Likely pathogenic for Euthyroid goiter; Rhabdomyosarcoma, embryonal, 2; Pleuropulmonary blastoma. Last evaluated: 2018-10-31. Review status: criteria provided, single submitter. Criteria: ACMG Guidelines, 2015. Collection method: clinical testing. Allele origin: unknown. Not counted in ClinVar's aggregate classification.

Literature cited by the submitters: PubMed 26545620 (cited by 4 submitters); PubMed 26555935 (cited by 5 submitters); PubMed 31342592 (cited by Institute for Genomic Medicine (IGM) Clinical Laboratory, Nationwide Children's Hospital).

NM_177438.3(DICER1):c.5441C>T (p.Ser1814Leu)

Gene: DICER1 (dicer 1, ribonuclease III; minus strand). Cytogenetic location: 14q32.13.
Variant type: single nucleotide variant.
Coding change: c.5441C>T on transcript NM_177438.3 (MANE Select); coding-DNA position 5441, C replaced by T.
Protein change: p.Ser1814Leu; replaces serine 1814 with leucine.
Molecular consequence: missense variant. On other transcripts: intron variant (1).
Genome position (GRCh38, 1-based): chr14:95,091,289, G>A on the plus strand (C>T on the coding strand, the complement: DICER1 is on the minus strand). VCF-style: chr14-95091289-G-A. GRCh37 (hg19) VCF-style: chr14-95557626-G-A.
Other names: NM_030621.4(DICER1):c.5441C>T; p.Ser1814Leu; c.5441C>T, p.Ser1814Leu (NM_001271282.3, NM_001291628.2, NM_030621.4); c.5365-180C>T (NM_001195573.1); short protein forms S1814L.
Identifiers: ClinVar variation 412119 (VCV000412119.25), dbSNP rs1060503625, ClinGen allele CA16614268.